The following is an entry in ClinVar:

ClinVar aggregate classification (germline): Benign (1 of 4 stars; one submission).

Conditions:
Leigh syndrome (NULS). Also called: Leigh's necrotizing encephalopathy; Leigh's disease; Leigh's syndrome; LEIGH SYNDROME, NUCLEAR; Leigh Syndrome (mtDNA deletion); Leigh Disease. Identifiers: Orphanet 506, MedGen C2931891, MONDO:0009723, OMIM 256000.

Submission:

Wong Mito Lab, Molecular and Human Genetics, Baylor College of Medicine
Classification: Benign for Leigh syndrome. Last evaluated: 2019-10-17. Review status: criteria provided, single submitter. Criteria: Modified ACMG Guidelines (Unpublished). Collection method: clinical testing. Allele origin: germline.
Comment: The NC_012920.1:m.13753T>C (YP_003024036.1:p.Ser473Pro) variant in MTND5 gene is interpretated to be a Benign variant based on the modified ACMG guidelines (unpublished). This variant meets the following evidence codes: BS1, BS2, BP4

NC_012920.1(MT-ND5):m.13753T>C

Gene: MT-ND5 (mitochondrially encoded NADH dehydrogenase 5; plus strand).
Variant type: single nucleotide variant.
Genome position: chrM-13753-T-C.
Identifiers: ClinVar variation 693598 (VCV000693598.1), dbSNP rs1603224336, ClinGen allele CA414819375.
Genomic context (GRCh38, chrMT:13,753, plus strand): 5'-CCCATTAAACGCCTGGCAGCCGGAAGCCTATTCGCAGGATTTCTCATTACTAACAACATT[T>C]CCCCCGCATCCCCCTTCCAAACAACAATCCCCCTCTACCTAAAACTCACAGCCCTCGCTG-3'